The following is an entry in ClinVar:

ClinVar aggregate classification (germline): Likely benign. Review status: criteria provided, single submitter (1 of 4 stars). 2 submissions from 2 submitters: Likely benign (1). 1 of the submissions does not count toward it. Last evaluated 2024-07-15.

Conditions:
LAMA1-related disorder. Also called: LAMA1-related disorders; LAMA1-related condition.

Allele frequency attached by ClinVar (database versions not stated): gnomAD 0.00001; TOPMed 0.00003; ExAC 0.00005; ESP Exome Variant Server 0.00015.
gnomAD v4.1: 42 of 1,613,926 alleles (0.0026%); highest among the groups gnomAD compares: Non-Finnish European, 0.0032%; no homozygotes.

Submissions (2):

Blueprint Genetics
Classification: Likely benign. Last evaluated: 2024-07-15. Review status: criteria provided, single submitter. Criteria: ACMG Guidelines, 2015. Collection method: clinical testing. Allele origin: germline.

PreventionGenetics, part of Exact Sciences
Classification: Likely benign for LAMA1-related condition. Last evaluated: 2019-06-12. Review status: no assertion criteria provided. Collection method: clinical testing. Allele origin: germline. Not counted in ClinVar's aggregate classification.
Comment: This variant is classified as likely benign based on ACMG/AMP sequence variant interpretation guidelines (Richards et al. 2015 PMID: 25741868, with internal and published modifications).

NM_005559.4(LAMA1):c.4248C>T (p.Thr1416=)

Gene: LAMA1 (laminin subunit alpha 1; minus strand). Cytogenetic location: 18p11.31.
Variant type: single nucleotide variant.
Coding change: c.4248C>T on transcript NM_005559.4 (MANE Select); coding-DNA position 4248, C replaced by T.
Protein change: p.Thr1416=; no amino-acid change (threonine 1416 retained).
Molecular consequence: synonymous variant.
Genome position (GRCh38, 1-based): chr18:7,007,151, G>A on the plus strand (C>T on the coding strand, the complement: LAMA1 is on the minus strand). VCF-style: chr18-7007151-G-A. GRCh37 (hg19) VCF-style: chr18-7007150-G-A.
Identifiers: ClinVar variation 3034359 (VCV003034359.3), dbSNP rs375908736, ClinGen allele CA8881981.